The following is an entry in ClinVar:

ClinVar aggregate classification (germline): Likely benign. Review status: criteria provided, multiple submitters, no conflicts (2 of 4 stars). 3 submissions from 3 submitters: Likely benign (3). Last evaluated 2025-11-30.

Conditions:
Idiopathic basal ganglia calcification 1 (PFBC1A). Also called: Familial Idiopathic Basal Ganglia Calcification 2; Familial Idiopathic Basal Ganglia Calcification 3; Primary Familial Brain Calcification; PRIMARY FAMILIAL BRAIN CALCIFICATION 1A, AUTOSOMAL DOMINANT; Fahr's syndrome; Cerebral calcification nonarteriosclerotic idiopathic adult-onset. Identifiers: Orphanet 1980, MedGen C4551624, MONDO:0024538, OMIM 213600.

Allele frequency attached by ClinVar (database versions not stated): 1000 Genomes Project 30x 0.00047; gnomAD exomes 0.00021; ExAC 0.00023; gnomAD 0.00024 and 0.00026; TOPMed 0.00026; ESP Exome Variant Server 0.00031; 1000 Genomes Project 0.00040.
gnomAD v4.1: 378 of 1,613,754 alleles (0.023%); highest among the groups gnomAD compares: Non-Finnish European, 0.029%; no homozygotes.

Submissions (5):

Labcorp Genetics (formerly Invitae), Labcorp
Classification: Likely benign. Last evaluated: 2025-11-30. Review status: criteria provided, single submitter. Criteria: Invitae Variant Classification Sherloc (09022015). Collection method: clinical testing. Allele origin: germline.

Blueprint Genetics
Classification: Likely benign. Last evaluated: 2024-03-02. Review status: criteria provided, single submitter. Criteria: ACMG Guidelines, 2015. Collection method: clinical testing. Allele origin: germline.

Illumina Laboratory Services, Illumina
Classification: Likely benign for Idiopathic basal ganglia calcification 1. Last evaluated: 2018-01-13. Review status: criteria provided, single submitter. Criteria: ICSL Variant Classification Criteria 13 December 2019. Collection method: clinical testing. Allele origin: germline.
Comment: This variant was observed in the ICSL laboratory as part of a predisposition screen in an ostensibly healthy population. It had not been previously curated by ICSL or reported in the Human Gene Mutation Database (HGMD: prior to June 1st, 2018), and was therefore a candidate for classification through an automated scoring system. Utilizing variant allele frequency, disease prevalence and penetrance estimates, and inheritance mode, an automated score was calculated to assess if this variant is too frequent to cause the disease. Based on the score and internal cut-off values, a variant classified as likely benign is not then subjected to further curation. The score for this variant resulted in a classification of likely benign for this disease.

Dr. Peter K. Rogan Lab, Western University
No classification provided (evidence only). Condition: Clear cell carcinoma of kidney. Review status: no classification provided. Collection method: in vitro. Allele origin: not applicable. Functional consequence: retained intron. Not counted in ClinVar's aggregate classification.

Dr. Peter K. Rogan Lab, Western University
No classification provided (evidence only). Condition: Thyroid cancer, nonmedullary, 1. Review status: no classification provided. Collection method: in vitro. Allele origin: not applicable. Functional consequence: retained intron. Not counted in ClinVar's aggregate classification.

NM_001257180.2(SLC20A2):c.1572C>T (p.Gly524=)

Gene: SLC20A2 (solute carrier family 20 member 2; minus strand). Cytogenetic location: 8p11.21.
Variant type: single nucleotide variant.
Coding change: c.1572C>T on transcript NM_001257180.2 (MANE Select); coding-DNA position 1572, C replaced by T.
Protein change: p.Gly524=; no amino-acid change (glycine 524 retained).
Molecular consequence: synonymous variant.
Genome position (GRCh38, 1-based): chr8:42,430,201, G>A on the plus strand (C>T on the coding strand, the complement: SLC20A2 is on the minus strand). VCF-style: chr8-42430201-G-A. GRCh37 (hg19) VCF-style: chr8-42287719-G-A.
Other names: c.1572C>T, p.Gly524= (NM_001257181.2, NM_006749.5).
Identifiers: ClinVar variation 363071 (VCV000363071.14), dbSNP rs116795654, ClinGen allele CA4733277.
Genomic context (GRCh38, chr8:42,430,201, plus strand): 5'-GATTCCAACTCCTCCATAAAACAGCAGCCAGACGGGTGTAGCTGCTTCTTGCGTTACCCC[G>A]CCTTGTTTGTAAATCAGCCACAAGGCTACCAGGGGACCGATGGCATTACTGGGAAAAATA-3'
Protein context (NP_001244109.1, residues 514-534): LVALWLIYKQ[Gly524=]GVTQEAATPV